The following is an entry in ClinVar:

NM_000321.3(RB1):c.1390-14A>T

Gene: RB1 (RB transcriptional corepressor 1; plus strand). Cytogenetic location: 13q14.2.
Variant type: single nucleotide variant.
Coding change: c.1390-14A>T on transcript NM_000321.3 (MANE Select); 14 bases into the intron before coding-DNA position 1390, A replaced by T.
Molecular consequence: intron variant.
Genome position (GRCh38, 1-based): chr13:48,380,039, A>T. VCF-style: chr13-48380039-A-T. GRCh37 (hg19) VCF-style: chr13-48954175-A-T.
Identifiers: ClinVar variation 167566 (VCV000167566.41), dbSNP rs9535023, ClinGen allele CA026374.

ClinVar aggregate classification (germline): Benign/Likely benign. Review status: criteria provided, multiple submitters, no conflicts (2 of 4 stars). 17 submissions from 17 submitters: Benign (16); Likely benign (1). Last evaluated 2026-06-24.

Conditions:
Retinoblastoma (RB1). Also called: RETINOBLASTOMA, SOMATIC. Identifiers: Orphanet 790, MedGen C0035335, MeSH D012175, MONDO:0008380, OMIM 180200, HP:0009919. Disease mechanism: loss of function. Inheritance: Both sporadic and heritable forms are tested..
Hereditary retinoblastoma. Identifiers: Orphanet 357027, MedGen C0751483, MONDO:0018160.
Hereditary cancer-predisposing syndrome. Also called: Tumor predisposition; Neoplastic Syndromes, Hereditary; Hereditary neoplastic syndrome; Hereditary Cancer Syndrome. Identifiers: Orphanet 140162, MedGen C0027672, MeSH D009386, MONDO:0015356.

Allele frequency attached by ClinVar (database versions not stated): TOPMed 0.04714; gnomAD 0.04866 and 0.04667; gnomAD exomes 0.05595 and 0.04171; 1000 Genomes Project 30x 0.02249; 1000 Genomes Project 0.02296; ESP Exome Variant Server 0.03452; ExAC 0.04387.
gnomAD v4.1: 67,863 of 1,242,656 alleles (5.5%); highest among the groups gnomAD compares: Non-Finnish European, 6.5%; 2,392 homozygotes.

Submissions 1 to 24 of 36:

Myriad Genetics, Inc.
Classification: Benign for Retinoblastoma. Last evaluated: 2026-06-24. Review status: criteria provided, single submitter. Criteria: Myriad Autosomal Dominant, Autosomal Recessive and X-Linked Classification Criteria (2023). Collection method: clinical testing. Allele origin: unknown.
Comment: This variant is considered benign. This variant is intronic and is not expected to impact mRNA splicing. This variant has been observed at a population frequency that is significantly greater than expected given the associated disease prevalence and penetrance.

Labcorp Genetics (formerly Invitae), Labcorp
Classification: Benign for Retinoblastoma. Last evaluated: 2026-02-04. Review status: criteria provided, single submitter. Criteria: Invitae Variant Classification Sherloc (09022015). Collection method: clinical testing. Allele origin: germline.

Ramesar Group, Division of Human Genetics, Institute of Infectious Diseases and Molecular Medicine, UCT/MRC Genomic and Precision Medicine Research Unit, University of Cape Town
Classification: Benign for Hereditary retinoblastoma. Last evaluated: 2025-09-17. Review status: criteria provided, single submitter. Criteria: ACMG Guidelines, 2015. Collection method: research. Allele origin: germline. Affected: no.
Comment: BA1 - This variant is common in the general population (gnomAD), and is present in 4 individuals in our in-house control cohort (5%) BP5 - Variant found in a patient with a different retinal disease; RB1 is not associated with the phenotype BP6 - Reported as benign in ClinVar BP7 - A non-coding variant with no predicted effect on splicing (SpliceAI scores are negligible)

ARUP Laboratories, Molecular Genetics and Genomics, ARUP Laboratories
Classification: Benign. Last evaluated: 2025-07-02. Review status: criteria provided, single submitter. Criteria: ARUP Molecular Germline Variant Investigation Process 2024. Collection method: clinical testing. Allele origin: germline.

Blueprint Genetics
Classification: Likely benign. Last evaluated: 2024-11-27. Review status: criteria provided, single submitter. Criteria: ACMG Guidelines, 2015. Collection method: clinical testing. Allele origin: germline.

All of Us Research Program, National Institutes of Health
Classification: Benign for Retinoblastoma. Last evaluated: 2024-10-02. Review status: criteria provided, single submitter. Criteria: ACMG Guidelines, 2015. Collection method: clinical testing. Allele origin: germline. Inheritance: Autosomal dominant inheritance. Observed: 16,937 variant alleles, 16,279 heterozygotes, 653 homozygotes, 5 hemizygotes.
Comment: This study involves interpretation of variants in research participants for the purpose of population health screening. Participant phenotype was not available at the time of variant classification. Additional details can be found in publication PMID: 35346344, PMCID: PMC8962531

Hereditary Cancer Laboratory, Hospital Universitario 12 de Octubre
Classification: Benign for Hereditary cancer-predisposing syndrome. Last evaluated: 2024-05-28. Review status: criteria provided, single submitter. Criteria: ACMG Guidelines, 2015. Collection method: clinical testing. Allele origin: germline.
Comment: BS1 + BP4

KCCC/NGS Laboratory, Kuwait Cancer Control Center
Classification: Benign for Retinoblastoma. Last evaluated: 2023-07-07. Review status: criteria provided, single submitter. Criteria: ACMG Guidelines, 2015. Collection method: clinical testing. Allele origin: germline. Affected: yes.

Color Diagnostics, LLC DBA Color Health
Classification: Benign for Retinoblastoma. Last evaluated: 2022-04-28. Review status: criteria provided, single submitter. Criteria: ACMG Guidelines, 2015. Collection method: clinical testing. Allele origin: germline.

Department of Pathology and Laboratory Medicine, Sinai Health System
Classification: Benign for retinoblastoma. Last evaluated: 2021-11-30. Review status: criteria provided, single submitter. Criteria: ACMG Guidelines, 2015. Collection method: clinical testing. Allele origin: germline. Affected: yes.

Sema4
Classification: Benign for Hereditary cancer-predisposing syndrome. Last evaluated: 2019-12-09. Review status: criteria provided, single submitter. Criteria: Sema4 Curation Guidelines. Collection method: curation. Allele origin: germline.

Illumina Laboratory Services, Illumina
Classification: Benign for Retinoblastoma. Last evaluated: 2018-03-06. Review status: criteria provided, single submitter. Criteria: ICSL Variant Classification Criteria 13 December 2019. Collection method: clinical testing. Allele origin: germline.
Comment: This variant was observed in the ICSL laboratory as part of a predisposition screen in an ostensibly healthy population. It had not been previously curated by ICSL or reported in the Human Gene Mutation Database (HGMD: prior to June 1st, 2018), and was therefore a candidate for classification through an automated scoring system. Utilizing variant allele frequency, disease prevalence and penetrance estimates, and inheritance mode, an automated score was calculated to assess if this variant is too frequent to cause the disease. Based on the score and internal cut-off values, a variant classified as benign is not then subjected to further curation. The score for this variant resulted in a classification of benign for this disease.

GeneDx
Classification: Benign. Last evaluated: 2016-06-13. Review status: criteria provided, single submitter. Criteria: GeneDx Variant Classification (06012015). Collection method: clinical testing. Allele origin: germline. Affected: yes.
Comment: This variant is considered likely benign or benign based on one or more of the following criteria: it is a conservative change, it occurs at a poorly conserved position in the protein, it is predicted to be benign by multiple in silico algorithms, and/or has population frequency not consistent with disease.

Women's Health and Genetics/Laboratory Corporation of America, LabCorp
Classification: Benign. Last evaluated: 2016-05-24. Review status: criteria provided, single submitter. Criteria: LabCorp Variant Classification Summary - May 2015. Collection method: clinical testing. Allele origin: germline.
Comment: Variant summary: The RB1 c.1390-14A>T variant involves the alteration of a non-conserved intronic nucleotide. One in silico tool predicts a benign outcome for this variant. 5/5 splice prediction tools predict no significant impact on normal splicing. This variant was found in 1084/24708 control chromosomes (28 homozygotes) at a frequency of 0.0438724, which is approximately 1053 times the estimated maximal expected allele frequency of a pathogenic RB1 variant (0.0000417), suggesting this variant is likely a benign polymorphism. In addition, one clinical diagnostic laboratory classified this variant as benign. Taken together, this variant is classified as benign.

Eurofins Ntd Llc (ga)
Classification: Benign. Last evaluated: 2016-04-04. Review status: criteria provided, single submitter. Criteria: EGL Classification Definitions 2015. Collection method: clinical testing. Allele origin: germline. Observed: 4 variant alleles, 4 heterozygotes.

Breakthrough Genomics
Classification: Benign. Review status: criteria provided, single submitter. Criteria: ACMG Guidelines, 2015. Collection method: not provided. Allele origin: germline. Inheritance: Autosomal dominant inheritance. Affected: yes.

PreventionGenetics, part of Exact Sciences
Classification: Benign. Review status: criteria provided, single submitter. Criteria: ACMG Guidelines, 2015. Collection method: clinical testing. Allele origin: germline.

Dr. Peter K. Rogan Lab, Western University
No classification provided (evidence only). Condition: Clear cell carcinoma of kidney. Review status: no classification provided. Collection method: in vitro. Allele origin: not applicable. Functional consequence: retained intron. Not counted in ClinVar's aggregate classification.

Dr. Peter K. Rogan Lab, Western University
No classification provided (evidence only). Condition: Clear cell carcinoma of kidney. Review status: no classification provided. Collection method: in vitro. Allele origin: not applicable. Functional consequence: retained intron. Not counted in ClinVar's aggregate classification.

Dr. Peter K. Rogan Lab, Western University
No classification provided (evidence only). Condition: Clear cell carcinoma of kidney. Review status: no classification provided. Collection method: in vitro. Allele origin: not applicable. Functional consequence: retained intron. Not counted in ClinVar's aggregate classification.

Dr. Peter K. Rogan Lab, Western University
No classification provided (evidence only). Condition: Uterine corpus endometrial carcinoma. Review status: no classification provided. Collection method: in vitro. Allele origin: not applicable. Functional consequence: retained intron. Not counted in ClinVar's aggregate classification.

Dr. Peter K. Rogan Lab, Western University
No classification provided (evidence only). Condition: Cervical cancer. Review status: no classification provided. Collection method: in vitro. Allele origin: not applicable. Functional consequence: retained intron. Not counted in ClinVar's aggregate classification.

Dr. Peter K. Rogan Lab, Western University
No classification provided (evidence only). Condition: Cervical cancer. Review status: no classification provided. Collection method: in vitro. Allele origin: not applicable. Functional consequence: retained intron. Not counted in ClinVar's aggregate classification.

Dr. Peter K. Rogan Lab, Western University
No classification provided (evidence only). Condition: Cervical cancer. Review status: no classification provided. Collection method: in vitro. Allele origin: not applicable. Functional consequence: retained intron. Not counted in ClinVar's aggregate classification.